The following is an entry in ClinVar:

NM_005902.4(SMAD3):c.506G>A (p.Gly169Asp)

Gene: SMAD3 (SMAD family member 3; plus strand). Cytogenetic location: 15q22.33.
Variant type: single nucleotide variant.
Coding change: c.506G>A on transcript NM_005902.4 (MANE Select); coding-DNA position 506, G replaced by A.
Protein change: p.Gly169Asp; replaces glycine 169 with aspartic acid.
Molecular consequence: missense variant. On other transcripts: intron variant (2).
Genome position (GRCh38, 1-based): chr15:67,165,358, G>A. VCF-style: chr15-67165358-G-A. GRCh37 (hg19) VCF-style: chr15-67457696-G-A.
Other names: c.191G>A, p.Gly64Asp (NM_001145102.2, NM_001407016.1); c.374G>A, p.Gly125Asp (NM_001145103.2); c.506G>A, p.Gly169Asp (NM_001407011.1, NM_001407013.1); c.359G>A, p.Gly120Asp (NM_001407014.1); c.400+270G>A (NM_001407012.1); c.85+270G>A (NM_001407015.1); short protein forms G125D, G169D, G64D, G120D.
Identifiers: ClinVar variation 2738130 (VCV002738130.5), dbSNP rs772034969, ClinGen allele CA062298.

ClinVar aggregate classification (germline): Conflicting classifications of pathogenicity. Review status: criteria provided, conflicting classifications (1 of 4 stars). 2 submissions from 2 submitters: Uncertain significance (1); Benign (1). Last evaluated 2024-03-05.

Conditions:
Familial thoracic aortic aneurysm and aortic dissection (TAAD). Also called: Thoracic aortic aneurysms and dissections. Identifiers: Orphanet 91387, MedGen C4707243, MONDO:0019625.
Aneurysm-osteoarthritis syndrome. Also called: LOEYS-DIETZ SYNDROME WITH OSTEOARTHRITIS; SMAD3-Related Loeys-Dietz Syndrome; ANEURYSMS-OSTEOARTHRITIS SYNDROME; Loeys-Dietz syndrome, type 1C. Identifiers: Orphanet 284984, MedGen C3151087, MONDO:0013426, OMIM 613795.

Allele frequency attached by ClinVar (database versions not stated): gnomAD exomes below 0.00001; ExAC 0.00001; gnomAD 0.00001.
gnomAD v4.1: 3 of 1,614,096 alleles (0.00019%); highest among the groups gnomAD compares: Non-Finnish European, 0.00025%; no homozygotes.

Submissions (2):

All of Us Research Program, National Institutes of Health
Classification: Uncertain significance for Aneurysm-osteoarthritis syndrome. Last evaluated: 2024-03-05. Review status: criteria provided, single submitter. Criteria: ACMG Guidelines, 2015. Collection method: clinical testing. Allele origin: germline. Inheritance: Autosomal dominant inheritance. Observed: 2 variant alleles, 2 heterozygotes.
Comment: This missense variant replaces glycine with aspartic acid at codon 169 of the SMAD3 protein. Computational prediction suggests that this variant may not impact protein structure and function (internally defined REVEL score threshold <= 0.5, PMID: 27666373). To our knowledge, functional studies have not been reported for this variant. This variant has not been reported in individuals affected with SMAD3-related disorders in the literature. This variant has been identified in 1/31370 chromosomes in the general population by the Genome Aggregation Database (gnomAD). The available evidence is insufficient to determine the role of this variant in disease conclusively. Therefore, this variant is classified as a Variant of Uncertain Significance.

This study involves interpretation of variants in research participants for the purpose of population health screening. Participant phenotype was not available at the time of variant classification. Additional details can be found in publication PMID: 35346344, PMCID: PMC8962531

Labcorp Genetics (formerly Invitae), Labcorp
Classification: Benign for Familial thoracic aortic aneurysm and aortic dissection. Last evaluated: 2023-11-28. Review status: criteria provided, single submitter. Criteria: Invitae Variant Classification Sherloc (09022015). Collection method: clinical testing. Allele origin: germline.